The following is an entry in ClinVar:

ClinVar aggregate classification (germline): Uncertain significance. Review status: criteria provided, multiple submitters, no conflicts (2 of 4 stars). 2 submissions from 2 submitters: Uncertain significance (2). Last evaluated 2025-10-29.

Conditions:
Hereditary cancer-predisposing syndrome. Also called: Tumor predisposition; Hereditary Cancer Syndrome; Hereditary neoplastic syndrome; Neoplastic Syndromes, Hereditary. Identifiers: Orphanet 140162, MedGen C0027672, MeSH D009386, MONDO:0015356.

Allele frequency attached by ClinVar (database versions not stated): gnomAD exomes below 0.00001.
gnomAD v4.1: 2 of 1,614,118 alleles (0.00012%); highest among the groups gnomAD compares: Non-Finnish European, 0.00017%; no homozygotes.

Submissions (2):

Labcorp Genetics (formerly Invitae), Labcorp
Classification: Uncertain significance. Last evaluated: 2025-10-29. Review status: criteria provided, single submitter. Criteria: Invitae Variant Classification Sherloc (09022015). Collection method: clinical testing. Allele origin: germline.
Comment: This sequence change replaces alanine, which is neutral and non-polar, with proline, which is neutral and non-polar, at codon 145 of the MSH3 protein (p.Ala145Pro). This variant is not present in population databases (gnomAD no frequency). This variant has not been reported in the literature in individuals affected with MSH3-related conditions. ClinVar contains an entry for this variant (Variation ID: 1483367). An algorithm developed to predict the effect of missense changes on protein structure and function (PolyPhen-2) suggests that this variant is likely to be disruptive. In summary, the available evidence is currently insufficient to determine the role of this variant in disease. Therefore, it has been classified as a Variant of Uncertain Significance.

Ambry Genetics
Classification: Uncertain significance for Hereditary cancer-predisposing syndrome. Last evaluated: 2024-02-11. Review status: criteria provided, single submitter. Criteria: Ambry Variant Classification Scheme 2023. Collection method: clinical testing. Allele origin: germline.
Comment: The p.A145P variant (also known as c.433G>C), located in coding exon 3 of the MSH3 gene, results from a G to C substitution at nucleotide position 433. The alanine at codon 145 is replaced by proline, an amino acid with highly similar properties. This amino acid position is conserved. In addition, the in silico prediction for this alteration is inconclusive. Based on the available evidence, the clinical significance of this alteration remains unclear.

NM_002439.5(MSH3):c.433G>C (p.Ala145Pro)

Gene: MSH3 (mutS homolog 3; plus strand). Cytogenetic location: 5q14.1.
Variant type: single nucleotide variant.
Coding change: c.433G>C on transcript NM_002439.5 (MANE Select); coding-DNA position 433, G replaced by C.
Protein change: p.Ala145Pro; replaces alanine 145 with proline.
Molecular consequence: missense variant.
Genome position (GRCh38, 1-based): chr5:80,665,217, G>C. VCF-style: chr5-80665217-G-C. GRCh37 (hg19) VCF-style: chr5-79961036-G-C.
Other names: c.433G>C (NM_002439.3); short protein forms A145P.
Identifiers: ClinVar variation 1483367 (VCV001483367.7), dbSNP rs1580546606, ClinGen allele CA360263382.